The following is an entry in ClinVar:

NM_001267550.2(TTN):c.485T>G (p.Leu162Arg)

Gene: TTN (titin; minus strand). Cytogenetic location: 2q31.2.
Variant type: single nucleotide variant.
Coding change: c.485T>G on transcript NM_001267550.2 (MANE Select); coding-DNA position 485, T replaced by G.
Protein change: p.Leu162Arg; replaces leucine 162 with arginine.
Molecular consequence: missense variant.
Genome position (GRCh38, 1-based): chr2:178,800,493, A>C on the plus strand (T>G on the coding strand, the complement: TTN is on the minus strand). VCF-style: chr2-178800493-A-C. GRCh37 (hg19) VCF-style: chr2-179665220-A-C.
Other names: c.485T>G, p.Leu162Arg (NM_001256850.1, NM_003319.4, NM_133378.4 and 3 more transcripts); short protein forms L162R.
Identifiers: ClinVar variation 1256627 (VCV001256627.2), dbSNP rs145438758, ClinGen allele CA60988345.
Genomic context (GRCh38, chr2:178,800,493, plus strand): 5'-ACGCTATTGGTGGCATTTACTGAATAGGTCCCTGAGTCCTCAGGGTATGCTTCTGCAATC[A>C]GTAAGCTGTAGAGGTCGCCTTCTTGTGAAATTTGGAAATCAAGGGAGCTCTGGATTTCGG-3'
Protein context (NP_001254479.2, residues 152-172): ISQEGDLYSL[Leu162Arg]IAEAYPEDSG

ClinVar aggregate classification (germline): Uncertain significance. Review status: criteria provided, multiple submitters, no conflicts (2 of 4 stars). 2 submissions from 2 submitters: Uncertain significance (2). Last evaluated 2026-03-10.

Conditions:
TTN-related disorder. Also called: TTN-related condition; TTN-related disease; TTN-related disorders.

gnomAD v4.1: 4 of 1,614,058 alleles (0.00025%); highest among the groups gnomAD compares: African/African-American, 0.0053%; no homozygotes.

Submissions (2):

PreventionGenetics, part of Exact Sciences
Classification: Uncertain significance for TTN-related condition. Last evaluated: 2026-03-10. Review status: criteria provided, single submitter. Criteria: ACMG Guidelines, 2015. Collection method: clinical testing. Allele origin: germline.
Comment: The TTN c.485T>G variant is predicted to result in the amino acid substitution p.Leu162Arg. To our knowledge, this variant has not been reported in the literature. This variant is reported in 0.023% of alleles in individuals of African descent in gnomAD. At this time, the clinical significance of this variant is uncertain due to the absence of conclusive functional and genetic evidence.

Athena Diagnostics
Classification: Uncertain significance. Last evaluated: 2021-05-18. Review status: criteria provided, single submitter. Criteria: Athena Diagnostics criteria. Collection method: clinical testing. Allele origin: unknown.